The following is an entry in ClinVar:

ClinVar aggregate classification (germline): Uncertain significance. Review status: criteria provided, multiple submitters, no conflicts (2 of 4 stars). 2 submissions from 2 submitters: Uncertain significance (2). Last evaluated 2025-02-12.

Conditions:
Familial thoracic aortic aneurysm and aortic dissection (TAAD). Also called: Thoracic aortic aneurysms and dissections. Identifiers: Orphanet 91387, MedGen C4707243, MONDO:0019625.
Congenital contractural arachnodactyly (CCA). Also called: BEALS SYNDROME; Beals-Hecht syndrome; Arthrogryposis, distal, type 9. Identifiers: Orphanet 115, MedGen C0220668, MONDO:0007363, OMIM 121050.

Allele frequency attached by ClinVar (database versions not stated): gnomAD exomes below 0.00001.
gnomAD v4.1: 1 of 1,613,968 alleles (0.000062%); highest among the groups gnomAD compares: Non-Finnish European, 0.000085%; no homozygotes.

Submissions (2):

Labcorp Genetics (formerly Invitae), Labcorp
Classification: Uncertain significance for Congenital contractural arachnodactyly. Last evaluated: 2025-02-12. Review status: criteria provided, single submitter. Criteria: Invitae Variant Classification Sherloc (09022015). Collection method: clinical testing. Allele origin: germline.
Comment: This sequence change replaces glycine, which is neutral and non-polar, with arginine, which is basic and polar, at codon 1401 of the FBN2 protein (p.Gly1401Arg). This variant is not present in population databases (gnomAD no frequency). This variant has not been reported in the literature in individuals affected with FBN2-related conditions. ClinVar contains an entry for this variant (Variation ID: 519863). Invitae Evidence Modeling of protein sequence and biophysical properties (such as structural, functional, and spatial information, amino acid conservation, physicochemical variation, residue mobility, and thermodynamic stability) indicates that this missense variant is expected to disrupt FBN2 protein function with a positive predictive value of 80%. In summary, the available evidence is currently insufficient to determine the role of this variant in disease. Therefore, it has been classified as a Variant of Uncertain Significance.

Ambry Genetics
Classification: Uncertain significance for Familial thoracic aortic aneurysm and aortic dissection. Last evaluated: 2017-09-27. Review status: criteria provided, single submitter. Criteria: Ambry Variant Classification Scheme 2023. Collection method: clinical testing. Allele origin: germline.
Comment: The p.G1401R variant (also known as c.4201G>A), located in coding exon 32 of the FBN2 gene, results from a G to A substitution at nucleotide position 4201. The glycine at codon 1401 is replaced by arginine, an amino acid with dissimilar properties. This amino acid position is highly conserved in available vertebrate species. In addition, this alteration is predicted to be deleterious by in silico analysis. Since supporting evidence is limited at this time, the clinical significance of this alteration remains unclear.

NM_001999.4(FBN2):c.4201G>A (p.Gly1401Arg)

Gene: FBN2 (fibrillin 2; minus strand). Cytogenetic location: 5q23.3.
Variant type: single nucleotide variant.
Coding change: c.4201G>A on transcript NM_001999.4 (MANE Select); coding-DNA position 4201, G replaced by A.
Protein change: p.Gly1401Arg; replaces glycine 1401 with arginine.
Molecular consequence: missense variant.
Genome position (GRCh38, 1-based): chr5:128,332,933, C>T on the plus strand (G>A on the coding strand, the complement: FBN2 is on the minus strand). VCF-style: chr5-128332933-C-T. GRCh37 (hg19) VCF-style: chr5-127668625-C-T.
Other names: short protein forms G1401R.
Identifiers: ClinVar variation 519863 (VCV000519863.8), dbSNP rs1554122552, ClinGen allele CA360754709.